The following is an entry in ClinVar:

NM_001127222.2(CACNA1A):c.2473G>A (p.Val825Met)

Gene: CACNA1A (calcium voltage-gated channel subunit alpha1 A; minus strand). Cytogenetic location: 19p13.13.
Variant type: single nucleotide variant.
Coding change: c.2473G>A on transcript NM_001127222.2 (MANE Select); coding-DNA position 2473, G replaced by A.
Protein change: p.Val825Met; replaces valine 825 with methionine.
Molecular consequence: missense variant.
Genome position (GRCh38, 1-based): chr19:13,299,160, C>T on the plus strand (G>A on the coding strand, the complement: CACNA1A is on the minus strand). VCF-style: chr19-13299160-C-T. GRCh37 (hg19) VCF-style: chr19-13409974-C-T.
Other names: c.2485G>A, p.Val829Met (NM_000068.4, NM_023035.3); c.2476G>A, p.Val826Met (NM_001127221.2, NM_001174080.2); short protein forms V825M, V826M, V829M.
Identifiers: ClinVar variation 1485168 (VCV001485168.8), dbSNP rs2144957270, ClinGen allele CA404343378.

ClinVar aggregate classification (germline): Uncertain significance (1 of 4 stars; one submission).

Conditions:
Developmental and epileptic encephalopathy, 42 (DEE42A). Also called: DEVELOPMENTAL AND EPILEPTIC ENCEPHALOPATHY 42A; EPILEPTIC ENCEPHALOPATHY, EARLY INFANTILE, 42A; Epileptic encephalopathy, early infantile, 42. Identifiers: MedGen C4310716, MONDO:0014917, OMIM 617106.
Episodic ataxia type 2 (EA2). Also called: ATAXIA, EPISODIC, WITH NYSTAGMUS; ATAXIA, FAMILIAL PAROXYSMAL; CEREBELLAR ATAXIA, PAROXYSMAL, ACETAZOLAMIDE-RESPONSIVE; CEREBELLOPATHY, HEREDITARY PAROXYSMAL; EPISODIC ATAXIA, NYSTAGMUS-ASSOCIATED; ACETAZOLAMIDE-RESPONSIVE HEREDITARY PAROXYSMAL CEREBELLAR ATAXIA. Identifiers: Orphanet 97, MedGen C1720416, MONDO:0007163, OMIM 108500.

Allele frequency attached by ClinVar (database versions not stated): gnomAD exomes below 0.00001.
gnomAD v4.1: 1 of 1,613,230 alleles (0.000062%); highest among the groups gnomAD compares: South Asian, 0.0011%; no homozygotes.

Submission:

Labcorp Genetics (formerly Invitae), Labcorp
Classification: Uncertain significance for Developmental and epileptic encephalopathy, 42; Episodic ataxia type 2. Last evaluated: 2021-04-23. Review status: criteria provided, single submitter. Criteria: Invitae Variant Classification Sherloc (09022015). Collection method: clinical testing. Allele origin: germline.
Comment: In summary, the available evidence is currently insufficient to determine the role of this variant in disease. Therefore, it has been classified as a Variant of Uncertain Significance. Advanced modeling of protein sequence and biophysical properties (such as structural, functional, and spatial information, amino acid conservation, physicochemical variation, residue mobility, and thermodynamic stability) performed at Invitae indicates that this missense variant is not expected to disrupt CACNA1A protein function. This variant has not been reported in the literature in individuals with CACNA1A-related conditions. This variant is not present in population databases (ExAC no frequency). This sequence change replaces valine with methionine at codon 826 of the CACNA1A protein (p.Val826Met). The valine residue is highly conserved and there is a small physicochemical difference between valine and methionine.